The following is an entry in ClinVar:

NC_000001.10:g.(?_197297532)_(197411442_?)del

Gene: CRB1 (crumbs cell polarity complex component 1; plus strand). Cytogenetic location: 1q31.3.
Variant type: Deletion.
Identifiers: ClinVar variation 3247805 (VCV003247805.1).

ClinVar aggregate classification (germline): Pathogenic (1 of 4 stars; one submission).

Conditions:
Leber congenital amaurosis 8 (LCA8). Identifiers: Orphanet 65, MedGen C3151202, MONDO:0013453, OMIM 613835.
Retinitis pigmentosa 12 (RP12). Also called: RP WITH OR WITHOUT PRESERVED PARAARTERIOLE RETINAL PIGMENT EPITHELIUM; RETINITIS PIGMENTOSA WITH OR WITHOUT PARAARTERIOLAR PRESERVATION OF RETINAL PIGMENT EPITHELIUM; RP WITH OR WITHOUT PPRPE. Identifiers: Orphanet 791, MedGen C1838647, MONDO:0010818, OMIM 600105.

Submission:

Labcorp Genetics (formerly Invitae), Labcorp
Classification: Pathogenic for Leber congenital amaurosis 8; Retinitis pigmentosa 12. Last evaluated: 2022-01-14. Review status: criteria provided, single submitter. Criteria: Invitae Variant Classification Sherloc (09022015). Collection method: clinical testing. Allele origin: unknown.
Comment: For these reasons, this variant has been classified as Pathogenic. This variant disrupts a region of the CRB1 protein in which other variant(s) (p.Arg1390*) have been determined to be pathogenic (PMID: 23379534, 29068479; Invitae). This suggests that this is a clinically significant region of the protein, and that variants that disrupt it are likely to be disease-causing. This variant has not been reported in the literature in individuals affected with CRB1-related conditions. This variant is a gross deletion of the genomic region encompassing exon(s) 2-11 of the CRB1 gene. While this deletion is not anticipated to lead to nonsense mediated decay, it is expected to disrupt the C-terminus of the protein.

Literature cited by the submitters: PubMed 23379534; PubMed 29068479.